The following is an entry in ClinVar:

NC_000016.9:g.(?_84065452)_(84067094_?)del

Gene: SLC38A8 (solute carrier family 38 member 8; minus strand). Cytogenetic location: 16q23.3.
Variant type: Deletion.
Identifiers: ClinVar variation 3243599 (VCV003243599.1).

ClinVar aggregate classification (germline): Pathogenic (1 of 4 stars; one submission).

Submission:

Labcorp Genetics (formerly Invitae), Labcorp
Classification: Pathogenic. Last evaluated: 2023-09-13. Review status: criteria provided, single submitter. Criteria: Invitae Variant Classification Sherloc (09022015). Collection method: clinical testing. Allele origin: unknown.
Comment: For these reasons, this variant has been classified as Pathogenic. This variant has not been reported in the literature in individuals affected with SLC38A8-related conditions. This variant is a gross deletion of the genomic region encompassing exon(s) 3-4 of the SLC38A8 gene. This deletion is out-of-frame, and is expected to create a premature termination codon and result in an absent or disrupted protein product. Loss-of-function variants in SLC38A8 are known to be pathogenic (PMID: 24290379).

Literature cited by the submitters: PubMed 24290379.